The following is an entry in ClinVar:

NM_002635.4(SLC25A3):c.446A>G (p.Asn149Ser)

Gene: SLC25A3 (solute carrier family 25 member 3; plus strand). Cytogenetic location: 12q23.1.
Variant type: single nucleotide variant.
Coding change: c.446A>G on transcript NM_002635.4 (MANE Select); coding-DNA position 446, A replaced by G.
Protein change: p.Asn149Ser; replaces asparagine 149 with serine.
Molecular consequence: missense variant.
Genome position (GRCh38, 1-based): chr12:98,598,022, A>G. VCF-style: chr12-98598022-A-G. GRCh37 (hg19) VCF-style: chr12-98991800-A-G.
Other names: c.449A>G, p.Asn150Ser (NM_005888.4); c.446A>G, p.Asn149Ser (NM_213611.3); short protein forms N149S, N150S.
Identifiers: ClinVar variation 2055253 (VCV002055253.1), dbSNP rs781211096, ClinGen allele CA6732960.

ClinVar aggregate classification (germline): Uncertain significance (1 of 4 stars; one submission).

Allele frequency attached by ClinVar (database versions not stated): gnomAD exomes 0.00001; ExAC 0.00003; gnomAD 0.00003.

Submission:

Labcorp Genetics (formerly Invitae), Labcorp
Classification: Uncertain significance. Last evaluated: 2022-07-28. Review status: criteria provided, single submitter. Criteria: Invitae Variant Classification Sherloc (09022015). Collection method: clinical testing. Allele origin: germline.
Comment: This sequence change replaces asparagine, which is neutral and polar, with serine, which is neutral and polar, at codon 150 of the SLC25A3 protein (p.Asn150Ser). This variant is present in population databases (rs781211096, gnomAD 0.01%). This variant has not been reported in the literature in individuals affected with SLC25A3-related conditions. Algorithms developed to predict the effect of missense changes on protein structure and function (SIFT, PolyPhen-2, Align-GVGD) all suggest that this variant is likely to be tolerated. Algorithms developed to predict the effect of sequence changes on RNA splicing suggest that this variant may create or strengthen a splice site. In summary, the available evidence is currently insufficient to determine the role of this variant in disease. Therefore, it has been classified as a Variant of Uncertain Significance.